The following is an entry in ClinVar:

NM_014679.5(CEP57):c.635A>T (p.Glu212Val)

Gene: CEP57 (centrosomal protein 57; plus strand). Cytogenetic location: 11q21.
Variant type: single nucleotide variant.
Coding change: c.635A>T on transcript NM_014679.5 (MANE Select); coding-DNA position 635, A replaced by T.
Protein change: p.Glu212Val; replaces glutamic acid 212 with valine.
Molecular consequence: missense variant.
Genome position (GRCh38, 1-based): chr11:95,818,840, A>T. VCF-style: chr11-95818840-A-T. GRCh37 (hg19) VCF-style: chr11-95552004-A-T.
Other names: c.608A>T, p.Glu203Val (NM_001243776.2); c.635A>T, p.Glu212Val (NM_001243777.2); c.554A>T, p.Glu185Val (NM_001363604.2); short protein forms E185V, E203V, E212V.
Identifiers: ClinVar variation 3490843 (VCV003490843.1).

ClinVar aggregate classification (germline): Uncertain significance (1 of 4 stars; one submission).

Conditions:
Inborn genetic diseases. Identifiers: MedGen C0950123, MeSH D030342.

Submission:

Ambry Genetics
Classification: Uncertain significance for Inborn genetic diseases. Last evaluated: 2024-11-28. Review status: criteria provided, single submitter. Criteria: Ambry Variant Classification Scheme 2023. Collection method: clinical testing. Allele origin: germline.
Comment: The p.E212V variant (also known as c.635A>T), located in coding exon 6 of the CEP57 gene, results from an A to T substitution at nucleotide position 635. The glutamic acid at codon 212 is replaced by valine, an amino acid with dissimilar properties. This amino acid position is conserved. In addition, this alteration is predicted to be deleterious by in silico analysis. Based on the available evidence, the clinical significance of this variant remains unclear.